The following is an entry in ClinVar:

NM_020166.5(MCCC1):c.17C>T (p.Ala6Val)

Genes: MCCC1 (methylcrotonyl-CoA carboxylase subunit 1; minus strand), LOC129938008 (ATAC-STARR-seq lymphoblastoid active region 20884; plus strand). Cytogenetic location: 3q27.1.
Variant type: single nucleotide variant.
Coding change: c.17C>T on transcript NM_020166.5 (MANE Select); coding-DNA position 17, C replaced by T.
Protein change: p.Ala6Val; replaces alanine 6 with valine.
Molecular consequence: missense variant. On other transcripts: 5 prime UTR variant (2), non-coding transcript variant (1).
Genome position (GRCh38, 1-based): chr3:183,099,424, G>A on the plus strand (C>T on the coding strand, the complement: MCCC1 is on the minus strand). VCF-style: chr3-183099424-G-A. GRCh37 (hg19) VCF-style: chr3-182817212-G-A.
Other names: c.-76C>T (NM_001293273.2); c.-174C>T (NM_001363880.1); short protein forms A6V.
Identifiers: ClinVar variation 1908678 (VCV001908678.2), dbSNP rs2530560582, ClinGen allele CA355324476.

ClinVar aggregate classification (germline): Uncertain significance (1 of 4 stars; one submission).

Conditions:
3-methylcrotonyl-CoA carboxylase 1 deficiency (MCC1D). Also called: MCCD TYPE 1; METHYLCROTONYLGLYCINURIA TYPE I; MCC 1 deficiency; 3 Alpha methylcrotonylglycinuria 1. Identifiers: Orphanet 6, MedGen CN028786, MONDO:0008861, OMIM 210200.

Submission:

Labcorp Genetics (formerly Invitae), Labcorp
Classification: Uncertain significance for 3-methylcrotonyl-CoA carboxylase 1 deficiency. Last evaluated: 2022-08-03. Review status: criteria provided, single submitter. Criteria: Invitae Variant Classification Sherloc (09022015). Collection method: clinical testing. Allele origin: germline.
Comment: This sequence change replaces alanine, which is neutral and non-polar, with valine, which is neutral and non-polar, at codon 6 of the MCCC1 protein (p.Ala6Val). This variant is not present in population databases (gnomAD no frequency). This variant has not been reported in the literature in individuals affected with MCCC1-related conditions. Algorithms developed to predict the effect of missense changes on protein structure and function output the following: SIFT: "Tolerated"; PolyPhen-2: "Not Available"; Align-GVGD: "Class C0". The valine amino acid residue is found in multiple mammalian species, which suggests that this missense change does not adversely affect protein function. In summary, the available evidence is currently insufficient to determine the role of this variant in disease. Therefore, it has been classified as a Variant of Uncertain Significance.